The following is an entry in ClinVar:

ClinVar aggregate classification (germline): Uncertain significance (1 of 4 stars; one submission).

Conditions:
Cardiomyopathy (CMYO). Also called: Cardiomyopathies. Identifiers: Orphanet 167848, MedGen C0878544, MONDO:0004994, HP:0001638. Inheritance: Various modes of inheritance.

gnomAD v4.1: 2 of 1,614,062 alleles (0.00012%); highest among the groups gnomAD compares: South Asian, 0.0011%; no homozygotes.

Submission:

Color Diagnostics, LLC DBA Color Health
Classification: Uncertain significance for Cardiomyopathy. Last evaluated: 2025-09-11. Review status: criteria provided, single submitter. Criteria: ACMG Guidelines, 2015. Collection method: clinical testing. Allele origin: germline.
Comment: This missense variant replaces isoleucine with valine at codon 650 of the DSC2 protein. Computational prediction suggests that this variant may not impact protein structure and function. To our knowledge, functional studies have not been reported for this variant. This variant has not been reported in individuals affected with DSC2-related disorders in the literature. This variant has been identified in 1/250742 chromosomes in the general population by the Genome Aggregation Database (gnomAD). The available evidence is insufficient to determine the role of this variant in disease conclusively. Therefore, this variant is classified as a Variant of Uncertain Significance.

NM_024422.6(DSC2):c.1948A>G (p.Ile650Val)

Gene: DSC2 (desmocollin 2; minus strand). Cytogenetic location: 18q12.1.
Variant type: single nucleotide variant.
Coding change: c.1948A>G on transcript NM_024422.6 (MANE Select); coding-DNA position 1948, A replaced by G.
Protein change: p.Ile650Val; replaces isoleucine 650 with valine.
Molecular consequence: missense variant.
Genome position (GRCh38, 1-based): chr18:31,071,782, T>C on the plus strand (A>G on the coding strand, the complement: DSC2 is on the minus strand). VCF-style: chr18-31071782-T-C. GRCh37 (hg19) VCF-style: chr18-28651748-T-C.
Other names: c.1519A>G, p.Ile507Val (NM_001406506.1, NM_001406507.1); c.1948A>G, p.Ile650Val (NM_004949.5); short protein forms I507V, I650V.
Identifiers: ClinVar variation 4756436 (VCV004756436.1).